The following is an entry in ClinVar:

ClinVar aggregate classification (germline): Pathogenic (1 of 4 stars; one submission).

Conditions:
Dilated cardiomyopathy 1KK (CMD1KK). Identifiers: Orphanet 154, Orphanet 75249, MedGen C3714995, MONDO:0014100, OMIM 615248.

Submission:

3billion
Classification: Pathogenic for Dilated cardiomyopathy 1KK. Last evaluated: 2022-03-22. Review status: criteria provided, single submitter. Criteria: ACMG Guidelines, 2015. Collection method: clinical testing. Allele origin: germline. Affected: yes. Observed: 1 heterozygote.
Comment: Stop-gained (nonsense): predicted to result in a loss or disruption of normal protein function through nonsense-mediated decay (NMD) or protein truncation. Multiple pathogenic variants are reported downstream of the variant.It is not observed in the gnomAD v2.1.1 dataset. This variant has been reported as pathogenic (3billion dataset). Therefore, this variant is classified as pathogenic according to the recommendation of ACMG/AMP guideline.

NM_032578.4(MYPN):c.608C>A (p.Ser203Ter)

Gene: MYPN (myopalladin; plus strand). Cytogenetic location: 10q21.3.
Variant type: single nucleotide variant.
Coding change: c.608C>A on transcript NM_032578.4 (MANE Select); coding-DNA position 608, C replaced by A.
Protein change: p.Ser203Ter; replaces serine 203 with a stop codon.
Molecular consequence: nonsense. On other transcripts: 5 prime UTR variant (1), non-coding transcript variant (1).
Genome position (GRCh38, 1-based): chr10:68,122,046, C>A. VCF-style: chr10-68122046-C-A. GRCh37 (hg19) VCF-style: chr10-69881803-C-A.
Other names: c.608C>A, p.Ser203Ter (NM_001256267.2); c.-515C>A (NM_001256268.2); short protein forms S203*.
Identifiers: ClinVar variation 1526172 (VCV001526172.1), dbSNP rs2133995502, ClinGen allele CA377104738.